The following is an entry in ClinVar:

NM_006579.3(EBP):c.301+3G>C

Gene: EBP (EBP cholestenol delta-isomerase; plus strand). Cytogenetic location: Xp11.23.
Variant type: single nucleotide variant.
Coding change: c.301+3G>C on transcript NM_006579.3 (MANE Select); 3 bases into the intron after coding-DNA position 301, G replaced by C.
Molecular consequence: intron variant.
Genome position (GRCh38, 1-based): chrX:48,524,075, G>C. VCF-style: chrX-48524075-G-C. GRCh37 (hg19) VCF-style: chrX-48382463-G-C.
Other names: c.301+3G>C (NM_006579.2).
Identifiers: ClinVar variation 1379206 (VCV001379206.10), dbSNP rs2147154777, ClinGen allele CA2573158936.

ClinVar aggregate classification (germline): Conflicting classifications of pathogenicity. Review status: criteria provided, conflicting classifications (1 of 4 stars). 3 submissions from 3 submitters: Likely pathogenic (2); Uncertain significance (1). Last evaluated 2026-07-27.

Conditions:
Inborn genetic diseases. Identifiers: MedGen C0950123, MeSH D030342.

Submissions (3):

Ambry Genetics
Classification: Likely pathogenic for Inborn genetic diseases. Last evaluated: 2026-07-27. Review status: criteria provided, single submitter. Criteria: Ambry Variant Classification Scheme 2023. Collection method: clinical testing. Allele origin: germline.
Comment: The c.301+3G>C intronic alteration results from a G to C substitution 3 nucleotides after exon 2 (coding exon 1) of the EBP gene. for X-linked recessive MEND syndrome; however, its clinical significance for X-linked dominant EBP-related chondrodysplasia punctata is uncertain. This variant was not reported in population-based cohorts in the Genome Aggregation Database (gnomAD). This nucleotide position is well conserved in available vertebrate species. RNA studies have demonstrated that this alteration results in abnormal splicing in the set of samples tested (Ambry internal data). In silico splice site analysis predicts that this alteration will weaken the native splice donor site. Based on the available evidence, this alteration is classified as likely pathogenic.

GeneDx
Classification: Likely pathogenic. Last evaluated: 2023-12-05. Review status: criteria provided, single submitter. Criteria: GeneDx Variant Classification Process June 2021. Collection method: clinical testing. Allele origin: germline. Affected: yes.
Comment: Not observed at significant frequency in large population cohorts (gnomAD); In silico analysis supports a deleterious effect on splicing; Has not been previously published as pathogenic or benign to our knowledge

Labcorp Genetics (formerly Invitae), Labcorp
Classification: Uncertain significance. Last evaluated: 2022-05-08. Review status: criteria provided, single submitter. Criteria: Invitae Variant Classification Sherloc (09022015). Collection method: clinical testing. Allele origin: germline.
Comment: In summary, the available evidence is currently insufficient to determine the role of this variant in disease. Therefore, it has been classified as a Variant of Uncertain Significance. Variants that disrupt the consensus splice site are a relatively common cause of aberrant splicing (PMID: 17576681, 9536098). Algorithms developed to predict the effect of sequence changes on RNA splicing suggest that this variant may disrupt the consensus splice site. This variant has been observed in individual(s) with EBP-related conditions (Invitae). This variant is not present in population databases (gnomAD no frequency). This sequence change falls in intron 2 of the EBP gene. It does not directly change the encoded amino acid sequence of the EBP protein. It affects a nucleotide within the consensus splice site.

Literature cited by the submitters: PubMed 17576681 (cited by Labcorp Genetics (formerly Invitae), Labcorp); PubMed 9536098 (cited by Labcorp Genetics (formerly Invitae), Labcorp).